The following is an entry in ClinVar:

ClinVar aggregate classification (germline): Uncertain significance (1 of 4 stars; one submission).

Submission:

Labcorp Genetics (formerly Invitae), Labcorp
Classification: Uncertain significance. Last evaluated: 2022-02-10. Review status: criteria provided, single submitter. Criteria: Invitae Variant Classification Sherloc (09022015). Collection method: clinical testing. Allele origin: germline.
Comment: ClinVar contains an entry for this variant (Variation ID: 957198). In summary, the available evidence is currently insufficient to determine the role of this variant in disease. Therefore, it has been classified as a Variant of Uncertain Significance. Algorithms developed to predict the effect of missense changes on protein structure and function are either unavailable or do not agree on the potential impact of this missense change (SIFT: "Tolerated"; PolyPhen-2: "Probably Damaging"; Align-GVGD: "Class C0"). This variant has not been reported in the literature in individuals affected with RIMS1-related conditions. This variant is not present in population databases (gnomAD no frequency). This sequence change replaces leucine, which is neutral and non-polar, with isoleucine, which is neutral and non-polar, at codon 1232 of the RIMS1 protein (p.Leu1232Ile).

NM_014989.7(RIMS1):c.3694C>A (p.Leu1232Ile)

Gene: RIMS1 (regulating synaptic membrane exocytosis 1; plus strand). Cytogenetic location: 6q13.
Variant type: single nucleotide variant.
Coding change: c.3694C>A on transcript NM_014989.7 (MANE Select); coding-DNA position 3694, C replaced by A.
Protein change: p.Leu1232Ile; replaces leucine 1232 with isoleucine.
Molecular consequence: missense variant. On other transcripts: intron variant (56).
Genome position (GRCh38, 1-based): chr6:72,290,818, C>A. VCF-style: chr6-72290818-C-A. GRCh37 (hg19) VCF-style: chr6-73000521-C-A.
Other names: c.1768C>A, p.Leu590Ile (NM_001350420.2); c.1750C>A, p.Leu584Ile (NM_001350431.2); c.1837C>A, p.Leu613Ile (NM_001350438.2, NM_001350456.2); c.1840C>A, p.Leu614Ile (NM_001350442.2, NM_001350446.2); c.1699C>A, p.Leu567Ile (NM_001350462.2); c.1632-1116C>A (NM_001350428.2); c.1560-1116C>A (NM_001350459.2, NM_001350424.2); c.1641-1116C>A (NM_001350437.2); and 31 more; short protein forms L584I, L1232I, L590I, L567I, L614I, L613I.
Identifiers: ClinVar variation 957198 (VCV000957198.9), dbSNP rs2093269214, ClinGen allele CA364689438.